The following is an entry in ClinVar:

ClinVar aggregate classification (germline): Uncertain significance. Review status: criteria provided, multiple submitters, no conflicts (2 of 4 stars). 2 submissions from 2 submitters: Uncertain significance (2). Last evaluated 2023-08-17.

Conditions:
Familial cancer of breast. Also called: BREAST CANCER, FAMILIAL; Hereditary breast cancer; hereditary breast carcinoma. Identifiers: Orphanet 227535, MedGen C0346153, MONDO:0016419, OMIM 114480. Disease mechanism: loss of function.
Hereditary cancer-predisposing syndrome. Also called: Neoplastic Syndromes, Hereditary; Tumor predisposition; Hereditary neoplastic syndrome; Hereditary Cancer Syndrome. Identifiers: Orphanet 140162, MedGen C0027672, MeSH D009386, MONDO:0015356.

Submissions (2):

Labcorp Genetics (formerly Invitae), Labcorp
Classification: Uncertain significance for Familial cancer of breast. Last evaluated: 2023-08-17. Review status: criteria provided, single submitter. Criteria: Invitae Variant Classification Sherloc (09022015). Collection method: clinical testing. Allele origin: germline.
Comment: In summary, the available evidence is currently insufficient to determine the role of this variant in disease. Therefore, it has been classified as a Variant of Uncertain Significance. An algorithm developed to predict the effect of missense changes on protein structure and function (PolyPhen-2) suggests that this variant is likely to be disruptive. ClinVar contains an entry for this variant (Variation ID: 566140). This variant has not been reported in the literature in individuals affected with CHEK2-related conditions. This variant is not present in population databases (gnomAD no frequency). This sequence change replaces serine, which is neutral and polar, with phenylalanine, which is neutral and non-polar, at codon 67 of the CHEK2 protein (p.Ser67Phe).

Color Diagnostics, LLC DBA Color Health
Classification: Uncertain significance for Hereditary cancer-predisposing syndrome. Last evaluated: 2019-10-14. Review status: criteria provided, single submitter. Criteria: ACMG Guidelines, 2015. Collection method: clinical testing. Allele origin: germline.
Comment: This missense variant replaces serine with phenylalanine at codon 67 of the CHEK2 protein. Computational prediction suggests that this variant may not impact protein structure and function (internally defined REVEL score threshold <= 0.5, PMID: 27666373). Splice site prediction tools suggest that this variant may not impact RNA splicing. To our knowledge, functional studies have not been performed for this variant. This variant has not been reported in individuals affected with hereditary cancer in the literature. This variant has not been identified in the general population by the Genome Aggregation Database (gnomAD). The available evidence is insufficient to determine the role of this variant in disease conclusively. Therefore, this variant is classified as a Variant of Uncertain Significance.

NM_007194.4(CHEK2):c.200C>T (p.Ser67Phe)

Gene: CHEK2 (checkpoint kinase 2; minus strand). Cytogenetic location: 22q12.1.
Variant type: single nucleotide variant.
Coding change: c.200C>T on transcript NM_007194.4 (MANE Select); coding-DNA position 200, C replaced by T.
Protein change: p.Ser67Phe; replaces serine 67 with phenylalanine.
Molecular consequence: missense variant.
Genome position (GRCh38, 1-based): chr22:28,734,522, G>A on the plus strand (C>T on the coding strand, the complement: CHEK2 is on the minus strand). VCF-style: chr22-28734522-G-A. GRCh37 (hg19) VCF-style: chr22-29130510-G-A.
Other names: c.200C>T, p.Ser67Phe (NM_001005735.3, NM_001349956.3, NM_145862.3); c.-578C>T (NM_001257387.3); short protein forms S67F.
Identifiers: ClinVar variation 566140 (VCV000566140.13), dbSNP rs886041171, ClinGen allele CA411090804.
Genomic context (GRCh38, chr22:28,734,522, plus strand): 5'-TCCTCAGGTTCTTGGTCCTCAGGTTCTTGGTCCTCAGGAATAGAATAGAGTTCCTGAGTG[G>A]ACACTGTCTCTAAGGAGCTCAGTGTCCCAGAGCTGGAGTGAGAGGACTGGCTGGAGTTTG-3'
Protein context (NP_009125.1, residues 57-77): SGTLSSLETV[Ser67Phe]TQELYSIPED